The following is an entry in ClinVar:

ClinVar aggregate classification (germline): Likely benign. Review status: criteria provided, multiple submitters, no conflicts (2 of 4 stars). 3 submissions from 3 submitters: Likely benign (3). Last evaluated 2024-10-25.

Allele frequency attached by ClinVar (database versions not stated): gnomAD 0.00090; gnomAD exomes 0.00149 and 0.00070; TOPMed 0.00072; ExAC 0.00094; 1000 Genomes Project 30x 0.00021.
gnomAD v4.1: 1,643 of 1,155,065 alleles (0.14%); highest among the groups gnomAD compares: Non-Finnish European, 0.18%; no homozygotes.

Submissions (3):

Blueprint Genetics
Classification: Likely benign. Last evaluated: 2024-10-25. Review status: criteria provided, single submitter. Criteria: ACMG Guidelines, 2015. Collection method: clinical testing. Allele origin: germline.

CeGaT Center for Human Genetics Tuebingen
Classification: Likely benign. Last evaluated: 2024-03-01. Review status: criteria provided, single submitter. Criteria: CeGaT Center For Human Genetics Tuebingen Variant Classification Criteria Version 2. Collection method: clinical testing. Allele origin: germline. Affected: yes. Observed: 1 variant allele.
Comment: G6PD: BP4, BS2

ARUP Laboratories, Molecular Genetics and Genomics, ARUP Laboratories
Classification: Likely benign. Last evaluated: 2022-02-02. Review status: criteria provided, single submitter. Criteria: ARUP Molecular Germline Variant Investigation Process 2021. Collection method: clinical testing. Allele origin: germline.

NM_001360016.2(G6PD):c.-9+7G>C

Genes: G6PD (glucose-6-phosphate dehydrogenase; minus strand), IKBKG (inhibitor of nuclear factor kappa B kinase regulatory subunit gamma; plus strand), LOC107181288 (origin of replication in promoter of G6PD; plus strand), LOC129929052 (ATAC-STARR-seq lymphoblastoid silent region 21114; plus strand). Cytogenetic location: Xq28.
Variant type: single nucleotide variant.
Coding change: c.-9+7G>C on transcript NM_001360016.2 (MANE Select); 7 bases into the intron after 9 bases upstream of the start codon, G replaced by C.
Molecular consequence: intron variant.
Genome position (GRCh38, 1-based): chrX:154,546,782, C>G on the plus strand (G>C on the coding strand, the complement: G6PD is on the minus strand). VCF-style: chrX-154546782-C-G. GRCh37 (hg19) VCF-style: chrX-153774997-C-G.
Other names: c.82+7G>C (NM_000402.4); c.-8-619G>C (NM_001042351.3); c.-15-5206C>G (NM_001377312.1, NM_001377313.1); c.189+4330C>G (NM_001099856.6); c.-16+4395C>G (NM_001321396.3).
Identifiers: ClinVar variation 811123 (VCV000811123.30), dbSNP rs781989843, ClinGen allele CA10566395.
Genomic context (GRCh38, chrX:154,546,782, plus strand): 5'-ACCGCCGCGCGGCGCAGCGCGGGACAGTACGCTCCTCCGCCTGCGCGGCGCCCGCCCGGC[C>G]GGTTACCTGCGCTTCGTCGTCGTCGCCCTCCGCGCTCGCAGCCCCGAAGTGTACGACCGT-3'